The following is an entry in ClinVar:

NM_024408.4(NOTCH2):c.4174C>T (p.Gln1392Ter)

Gene: NOTCH2 (notch receptor 2; minus strand). Cytogenetic location: 1p12.
Variant type: single nucleotide variant.
Coding change: c.4174C>T on transcript NM_024408.4 (MANE Select); coding-DNA position 4174, C replaced by T.
Protein change: p.Gln1392Ter; replaces glutamine 1392 with a stop codon.
Molecular consequence: nonsense.
Genome position (GRCh38, 1-based): chr1:119,925,642, G>A on the plus strand (C>T on the coding strand, the complement: NOTCH2 is on the minus strand). VCF-style: chr1-119925642-G-A. GRCh37 (hg19) VCF-style: chr1-120468265-G-A.
Other names: short protein forms Q1392*.
Identifiers: ClinVar variation 845754 (VCV000845754.8), dbSNP rs1649449471, ClinGen allele CA341890552.

ClinVar aggregate classification (germline): Pathogenic (1 of 4 stars; one submission).

Conditions:
Hajdu-Cheney syndrome (HJCYS). Also called: ACROOSTEOLYSIS WITH OSTEOPOROSIS AND CHANGES IN SKULL AND MANDIBLE; SERPENTINE FIBULA-POLYCYSTIC KIDNEY SYNDROME; Acroosteolysis dominant type. Identifiers: Orphanet 955, MedGen C0917715, MONDO:0007057, OMIM 102500.

Allele frequency attached by ClinVar (database versions not stated): TOPMed below 0.00001.

Submission:

Labcorp Genetics (formerly Invitae), Labcorp
Classification: Pathogenic for Hajdu-Cheney syndrome. Last evaluated: 2022-06-04. Review status: criteria provided, single submitter. Criteria: Invitae Variant Classification Sherloc (09022015). Collection method: clinical testing. Allele origin: germline.
Comment: This sequence change creates a premature translational stop signal (p.Gln1392*) in the NOTCH2 gene. It is expected to result in an absent or disrupted protein product. Loss-of-function variants in NOTCH2 are known to be pathogenic (PMID: 16773578, 22209762). This variant has not been reported in the literature in individuals affected with NOTCH2-related conditions. This variant is not present in population databases (gnomAD no frequency). ClinVar contains an entry for this variant (Variation ID: 845754). For these reasons, this variant has been classified as Pathogenic.

Literature cited by the submitters: PubMed 16773578; PubMed 22209762.